The following is an entry in ClinVar:

NM_000256.3(MYBPC3):c.3476_3479dup (p.Pro1161fs)

Gene: MYBPC3 (myosin binding protein C3; minus strand). Cytogenetic location: 11p11.2.
Variant type: Duplication.
Coding change: c.3476_3479dup on transcript NM_000256.3 (MANE Select); coding-DNA positions 3476 to 3479, 4 bases duplicated (TTAT; older notation c.3476_3479dupTTAT).
Protein change: p.Pro1161fs; shifts the reading frame from proline 1161.
Molecular consequence: frameshift variant.
Genome position (GRCh38, 1-based): chr11:47,332,825-47,332,828, ATAA duplicated on the plus strand (TTAT on the coding strand, the reverse complement: MYBPC3 is on the minus strand); duplicating any 4 consecutive bases within chr11:47,332,825-47,332,829 gives the same sequence; the c. name uses the placement nearest the transcript's 3' end. VCF-style (leftmost placement, unchanged base first): chr11-47332824-G-GATAA. GRCh37 (hg19) VCF-style: chr11-47354375-G-GATAA.
Other names: p.Pro1161TyrfsX9; c.3476_3479dup, p.Pro1161fs (LRG_386t1); c.3476_3479dupTTAT (NM_000256.3); short protein forms P1161fs.
Identifiers: ClinVar variation 42714 (VCV000042714.11), dbSNP rs397516019, ClinGen allele CA261323.

ClinVar aggregate classification (germline): Pathogenic. Review status: criteria provided, multiple submitters, no conflicts (2 of 4 stars). 4 submissions from 4 submitters: Pathogenic (4). Last evaluated 2022-05-18.

Conditions:
Cardiomyopathy (CMYO). Also called: Cardiomyopathies. Identifiers: Orphanet 167848, MedGen C0878544, MONDO:0004994, HP:0001638. Inheritance: Various modes of inheritance.
Hypertrophic cardiomyopathy. Also called: HYPERTROPHIC MYOCARDIOPATHY. Identifiers: Orphanet 217569, MedGen C0007194, MeSH D002312, MONDO:0005045, HP:0001639.

Submissions (4):

Labcorp Genetics (formerly Invitae), Labcorp
Classification: Pathogenic for Hypertrophic cardiomyopathy. Last evaluated: 2022-05-18. Review status: criteria provided, single submitter. Criteria: Invitae Variant Classification Sherloc (09022015). Collection method: clinical testing. Allele origin: germline.
Comment: ClinVar contains an entry for this variant (Variation ID: 42714). For these reasons, this variant has been classified as Pathogenic. This variant is also known as as c.3476-3479dupTTAT (p.Ile1160Ilefs*10). This premature translational stop signal has been observed in individual(s) with clinical features of hypertrophic cardiomyopathy (PMID: 24793961, 27532257). This variant is not present in population databases (gnomAD no frequency). This sequence change creates a premature translational stop signal (p.Pro1161Tyrfs*9) in the MYBPC3 gene. It is expected to result in an absent or disrupted protein product. Loss-of-function variants in MYBPC3 are known to be pathogenic (PMID: 19574547).

CHEO Genetics Diagnostic Laboratory, Children's Hospital of Eastern Ontario
Classification: Pathogenic for Cardiomyopathy. Last evaluated: 2021-11-11. Review status: criteria provided, single submitter. Criteria: ACMG Guidelines, 2015. Collection method: clinical testing. Allele origin: germline.

GeneDx
Classification: Pathogenic. Last evaluated: 2013-05-29. Review status: criteria provided, single submitter. Criteria: GeneDx Variant Classification (06012015). Collection method: clinical testing. Allele origin: germline. Affected: yes.
Comment: Although the c.3476_3479dupTTAT variant in the MYBPC3 gene has not been reported to our knowledge, this variant causes a shift in reading frame starting at codon Proline 1161, changing it to a Tyrosine, and creating a premature stop codon at position 9 of the new reading frame, denoted p.Pro1161TyrfsX9. This variant is expected to result in either an abnormal, truncated protein product or loss of protein from this allele through nonsense-mediated mRNA decay. Other frameshift variants in the MYBPC3 gene have been reported in association with HCM. In summary, c.3476_3479dupTTAT in the MYBPC3 gene is interpreted as a pathogenic variant.

Laboratory for Molecular Medicine, Mass General Brigham Personalized Medicine
Classification: Pathogenic for Hypertrophic cardiomyopathy. Last evaluated: 2011-06-02. Review status: criteria provided, single submitter. Criteria: LMM Criteria. Collection method: clinical testing. Allele origin: germline. Observed: 2 variant alleles.
Comment: It is predicted to cause a frameshift, which alters the protein's amino acid sequence beginning at codon 1161 and leads to a premature stop codon 8 amino acids downstream. This alterat ion is then predicted to lead to a truncated or absent protein (loss of function ). Loss of function is an established mechanism of disease for the MYBPC3 gene, which makes it highly likely that the Pro1161fs variant is pathogenic.

Literature cited by the submitters: PubMed 24793961 (cited by Labcorp Genetics (formerly Invitae), Labcorp); PubMed 27532257 (cited by Labcorp Genetics (formerly Invitae), Labcorp); PubMed 19574547 (cited by Labcorp Genetics (formerly Invitae), Labcorp).